The following is an entry in ClinVar:

NM_001031710.3(KLHL7):c.1106C>T (p.Pro369Leu)

Gene: KLHL7 (kelch like family member 7; plus strand). Cytogenetic location: 7p15.3.
Variant type: single nucleotide variant.
Coding change: c.1106C>T on transcript NM_001031710.3 (MANE Select); coding-DNA position 1106, C replaced by T.
Protein change: p.Pro369Leu; replaces proline 369 with leucine.
Molecular consequence: missense variant. On other transcripts: non-coding transcript variant (1).
Genome position (GRCh38, 1-based): chr7:23,165,867, C>T. VCF-style: chr7-23165867-C-T. GRCh37 (hg19) VCF-style: chr7-23205486-C-T.
Other names: c.962C>T, p.Pro321Leu (NM_018846.5); short protein forms P369L, P321L.
Identifiers: ClinVar variation 852432 (VCV000852432.9), dbSNP rs1784990876, ClinGen allele CA366981486.

ClinVar aggregate classification (germline): Uncertain significance (1 of 4 stars; one submission).

Submission:

Labcorp Genetics (formerly Invitae), Labcorp
Classification: Uncertain significance. Last evaluated: 2022-07-22. Review status: criteria provided, single submitter. Criteria: Invitae Variant Classification Sherloc (09022015). Collection method: clinical testing. Allele origin: germline.
Comment: This sequence change replaces proline, which is neutral and non-polar, with leucine, which is neutral and non-polar, at codon 369 of the KLHL7 protein (p.Pro369Leu). This variant is not present in population databases (gnomAD no frequency). This variant has not been reported in the literature in individuals affected with KLHL7-related conditions. ClinVar contains an entry for this variant (Variation ID: 852432). Algorithms developed to predict the effect of missense changes on protein structure and function are either unavailable or do not agree on the potential impact of this missense change (SIFT: "Deleterious"; PolyPhen-2: "Benign"; Align-GVGD: "Class C65"). In summary, the available evidence is currently insufficient to determine the role of this variant in disease. Therefore, it has been classified as a Variant of Uncertain Significance.